The following is an entry in ClinVar:

ClinVar aggregate classification (germline): Conflicting classifications of pathogenicity. Review status: criteria provided, conflicting classifications (1 of 4 stars). 2 submissions from 2 submitters: Uncertain significance (1); Likely benign (1). Last evaluated 2022-12-14.

Conditions:
Ehlers-Danlos syndrome, classic type, 1 (EDSCL1). Also called: EHLERS-DANLOS SYNDROME, GRAVIS TYPE; EHLERS-DANLOS SYNDROME, SEVERE CLASSIC TYPE; EDS I; Ehlers-Danlos Syndrome, Classic Type, COL5A1-Related; Ehlers-Danlos syndrome, type 1. Identifiers: MedGen C0268335, MONDO:0019567, OMIM 130000.

Allele frequency attached by ClinVar (database versions not stated): ExAC 0.00001.
gnomAD v4.1: 1 of 1,614,068 alleles (0.000062%); highest among the groups gnomAD compares: South Asian, 0.0011%; no homozygotes.

Submissions (2):

Labcorp Genetics (formerly Invitae), Labcorp
Classification: Likely benign for Ehlers-Danlos syndrome, classic type, 1. Last evaluated: 2022-12-14. Review status: criteria provided, single submitter. Criteria: Invitae Variant Classification Sherloc (09022015). Collection method: clinical testing. Allele origin: germline.

GeneDx
Classification: Uncertain significance. Last evaluated: 2017-08-10. Review status: criteria provided, single submitter. Criteria: GeneDx Variant Classification (06012015). Collection method: clinical testing. Allele origin: germline. Affected: yes.
Comment: A variant of uncertain significance has been identified in the COL5A2 gene. The D84H variant has not been published as pathogenic or been reported as benign to our knowledge. This variant is not observed at a significant frequency in large population cohorts (Lek et al., 2016; 1000 Genomes Consortium et al., 2015; Exome Variant Server). The D84H variant is a non-conservative amino acid substitution, which is likely to impact secondary protein structure as these residues differ in polarity, charge, size and/or other properties. However, this substitution occurs at a position that is not conserved across species and where histidine (H) is present as the wild type in at least one species. In silico analysis suggests that this variant likely does not alter the protein structure/function. Finally, the D84H variant does not affect a glycine residue in a Gly-X-Y motif in the triple helical region of the COL5A2 gene, where the majority of pathogenic missense variants occur (Stenson et al., 2014; Symoens et al., 2012).

NM_000393.5(COL5A2):c.250G>C (p.Asp84His)

Gene: COL5A2 (collagen type V alpha 2 chain; minus strand). Cytogenetic location: 2q32.2.
Variant type: single nucleotide variant.
Coding change: c.250G>C on transcript NM_000393.5 (MANE Select); coding-DNA position 250, G replaced by C.
Protein change: p.Asp84His; replaces aspartic acid 84 with histidine.
Molecular consequence: missense variant.
Genome position (GRCh38, 1-based): chr2:189,110,297, C>G on the plus strand (G>C on the coding strand, the complement: COL5A2 is on the minus strand). VCF-style: chr2-189110297-C-G. GRCh37 (hg19) VCF-style: chr2-189975023-C-G.
Other names: short protein forms D84H.
Identifiers: ClinVar variation 451151 (VCV000451151.7), dbSNP rs745528957, ClinGen allele CA2023170.
Genomic context (GRCh38, chr2:189,110,297, plus strand): 5'-TGCCACCTCCAGGTGTTTGTGAACAGACAGGACAGCATTCCCCAGGGGGCGTTACAGGGT[C>G]GGCACAGTCCAGCACATCCTGGCATTCTATCTTGTCACAGAGAATGGCTCCATTGTCACA-3'
Protein context (NP_000384.2, residues 74-94): IECQDVLDCA[Asp84His]PVTPPGECCP